The following is an entry in ClinVar:

ClinVar aggregate classification (germline): Likely pathogenic (1 of 4 stars; one submission).

Conditions:
Early-infantile DEE. Also called: Early infantile epileptic encephalopathy; Early infantile epileptic encephalopathy with suppression bursts; Ohtahara syndrome. Identifiers: Orphanet 1934, MedGen C0393706, MONDO:0800491.

Submission:

Labcorp Genetics (formerly Invitae), Labcorp
Classification: Likely pathogenic for Early-infantile DEE. Last evaluated: 2023-01-05. Review status: criteria provided, single submitter. Criteria: Invitae Variant Classification Sherloc (09022015). Collection method: clinical testing. Allele origin: germline.
Comment: In summary, the currently available evidence indicates that the variant is pathogenic, but additional data are needed to prove that conclusively. Therefore, this variant has been classified as Likely Pathogenic. This variant disrupts the p.Cys968 amino acid residue in SCN1A. Other variant(s) that disrupt this residue have been determined to be pathogenic (Invitae). This suggests that this residue is clinically significant, and that variants that disrupt this residue are likely to be disease-causing. This sequence change replaces cysteine, which is neutral and slightly polar, with serine, which is neutral and polar, at codon 968 of the SCN1A protein (p.Cys968Ser). This variant is not present in population databases (gnomAD no frequency). This variant has not been reported in the literature in individuals affected with SCN1A-related conditions. Advanced modeling of protein sequence and biophysical properties (such as structural, functional, and spatial information, amino acid conservation, physicochemical variation, residue mobility, and thermodynamic stability) performed at Invitae indicates that this missense variant is expected to disrupt SCN1A protein function.

NM_001165963.4(SCN1A):c.2903G>C (p.Cys968Ser)

Gene: SCN1A (sodium voltage-gated channel alpha subunit 1; minus strand). Cytogenetic location: 2q24.3.
Variant type: single nucleotide variant.
Coding change: c.2903G>C on transcript NM_001165963.4 (MANE Select); coding-DNA position 2903, G replaced by C.
Protein change: p.Cys968Ser; replaces cysteine 968 with serine.
Molecular consequence: missense variant. On other transcripts: non-coding transcript variant (1).
Genome position (GRCh38, 1-based): chr2:166,037,819, C>G on the plus strand (G>C on the coding strand, the complement: SCN1A is on the minus strand). VCF-style: chr2-166037819-C-G. GRCh37 (hg19) VCF-style: chr2-166894329-C-G.
Other names: c.2819G>C, p.Cys940Ser (NM_001165964.3, NM_001353957.2, NM_001353958.2); c.2903G>C, p.Cys968Ser (NM_001202435.3, NM_001353948.2); c.2870G>C, p.Cys957Ser (NM_001353949.2, NM_001353950.2, NM_001353951.2 and 2 more transcripts); c.2867G>C, p.Cys956Ser (NM_001353954.2, NM_001353955.2); c.2816G>C, p.Cys939Ser (NM_001353960.2); c.461G>C, p.Cys154Ser (NM_001353961.2); short protein forms C154S, C940S, C957S, C939S, C956S, C968S.
Identifiers: ClinVar variation 2826387 (VCV002826387.3), dbSNP rs794726823, ClinGen allele CA349060910.
Genomic context (GRCh38, chr2:166,037,819, plus strand): 5'-CTTAAGTGGGTACATACCACTAGGTTTCCAATCACCATGACCATCATGAAGACAGTAAGG[C>G]ACATGGCTTGACCAGCAACCTCCATACAGTCCCACATGGTCTCTATCCACTCCCCACACA-3'
Protein context (NP_001159435.1, residues 958-978): DCMEVAGQAM[Cys968Ser]LTVFMMVMVI